The following is an entry in ClinVar:

NM_021930.6(RINT1):c.734C>T (p.Ala245Val)

Gene: RINT1 (RAD50 interactor 1; plus strand). Cytogenetic location: 7q22.3.
Variant type: single nucleotide variant.
Coding change: c.734C>T on transcript NM_021930.6 (MANE Select); coding-DNA position 734, C replaced by T.
Protein change: p.Ala245Val; replaces alanine 245 with valine.
Molecular consequence: missense variant. On other transcripts: 5 prime UTR variant (2), non-coding transcript variant (1), intron variant (1).
Genome position (GRCh38, 1-based): chr7:105,547,228, C>T. VCF-style: chr7-105547228-C-T. GRCh37 (hg19) VCF-style: chr7-105187675-C-T.
Other names: c.500C>T, p.Ala167Val (NM_001346599.2); c.-286C>T (NM_001346600.2); c.-189C>T (NM_001346601.2); c.-27-2827C>T (NM_001346603.2); short protein forms A245V, A167V.
Identifiers: ClinVar variation 1350567 (VCV001350567.8), dbSNP rs767925162, ClinGen allele CA4426514.

ClinVar aggregate classification (germline): Conflicting classifications of pathogenicity. Review status: criteria provided, conflicting classifications (1 of 4 stars). 2 submissions from 2 submitters: Uncertain significance (1); Likely benign (1). Last evaluated 2025-12-08.

Allele frequency attached by ClinVar (database versions not stated): TOPMed below 0.00001; gnomAD 0.00001; gnomAD exomes 0.00001 and 0.00002; ExAC 0.00002.
gnomAD v4.1: 8 of 1,614,070 alleles (0.0005%); highest among the groups gnomAD compares: Admixed American, 0.0083%; no homozygotes.

Submissions (2):

Labcorp Genetics (formerly Invitae), Labcorp
Classification: Uncertain significance. Last evaluated: 2025-12-08. Review status: criteria provided, single submitter. Criteria: Invitae Variant Classification Sherloc (09022015). Collection method: clinical testing. Allele origin: germline.
Comment: This sequence change replaces alanine, which is neutral and non-polar, with valine, which is neutral and non-polar, at codon 245 of the RINT1 protein (p.Ala245Val). This variant is present in population databases (rs767925162, gnomAD 0.01%). This variant has not been reported in the literature in individuals affected with RINT1-related conditions. ClinVar contains an entry for this variant (Variation ID: 1350567). An algorithm developed to predict the effect of missense changes on protein structure and function outputs the following: PolyPhen-2: "Benign". The valine amino acid residue is found in multiple mammalian species, which suggests that this missense change does not adversely affect protein function. In summary, the available evidence is currently insufficient to determine the role of this variant in disease. Therefore, it has been classified as a Variant of Uncertain Significance.

Ambry Genetics
Classification: Likely benign. Last evaluated: 2024-03-29. Review status: criteria provided, single submitter. Criteria: Ambry Variant Classification Scheme 2023. Collection method: clinical testing. Allele origin: germline.